The following is an entry in ClinVar:

NM_213622.4(STAMBP):c.1218+20A>G

Gene: STAMBP (STAM binding protein; plus strand). Cytogenetic location: 2p13.1.
Variant type: single nucleotide variant.
Coding change: c.1218+20A>G on transcript NM_213622.4 (MANE Select); 20 bases into the intron after coding-DNA position 1218, A replaced by G.
Molecular consequence: intron variant.
Genome position (GRCh38, 1-based): chr2:73,860,171, A>G. VCF-style: chr2-73860171-A-G. GRCh37 (hg19) VCF-style: chr2-74087298-A-G.
Other names: c.813+20A>G (NM_001353976.2, NM_001353974.2, NM_001353975.2 and 3 more transcripts); c.1218+20A>G (NM_001353970.2, NM_006463.6, NM_001353968.2 and 3 more transcripts).
Identifiers: ClinVar variation 160041 (VCV000160041.22), dbSNP rs2303987, ClinGen allele CA173612.

ClinVar aggregate classification (germline): Benign. Review status: criteria provided, multiple submitters, no conflicts (2 of 4 stars). 7 submissions from 7 submitters: Benign (4). 3 of the submissions do not count toward it. Last evaluated 2026-02-03.

Allele frequency attached by ClinVar (database versions not stated): ESP Exome Variant Server 0.08327; gnomAD 0.08472 and 0.08987; ExAC 0.08837; TOPMed 0.10044; 1000 Genomes Project 30x 0.15443; 1000 Genomes Project 0.15954.

Submissions (7):

Labcorp Genetics (formerly Invitae), Labcorp
Classification: Benign. Last evaluated: 2026-02-03. Review status: criteria provided, single submitter. Criteria: Invitae Variant Classification Sherloc (09022015). Collection method: clinical testing. Allele origin: germline.

Blueprint Genetics
Classification: Benign. Last evaluated: 2024-11-26. Review status: criteria provided, single submitter. Criteria: ACMG Guidelines, 2015. Collection method: clinical testing. Allele origin: germline.

GeneDx
Classification: Benign. Last evaluated: 2018-07-17. Review status: criteria provided, single submitter. Criteria: GeneDx Variant Classification Process June 2021. Collection method: clinical testing. Allele origin: germline. Affected: yes.

Breakthrough Genomics
Classification: Benign. Review status: criteria provided, single submitter. Criteria: ACMG Guidelines, 2015. Collection method: not provided. Allele origin: germline. Inheritance: Autosomal recessive inheritance. Affected: yes.

Clinical Genetics DNA and cytogenetics Diagnostics Lab, Erasmus MC, Erasmus Medical Center
Classification: Benign. Review status: no assertion criteria provided. Collection method: clinical testing. Allele origin: germline. Affected: yes. Study: VKGL Data-share Consensus. Not counted in ClinVar's aggregate classification.

Clinical Genetics, Academic Medical Center
Classification: Benign. Review status: no assertion criteria provided. Collection method: clinical testing. Allele origin: germline. Affected: yes. Study: VKGL Data-share Consensus. Not counted in ClinVar's aggregate classification.

Genetic Services Laboratory, University of Chicago
Classification: Likely benign. Review status: no assertion criteria provided. Collection method: clinical testing. Allele origin: germline. Inheritance: Autosomal recessive inheritance. Not counted in ClinVar's aggregate classification.
Comment: Likely benign based on allele frequency in 1000 Genomes Project or ESP global frequency and its presence in a patient with a rare or unrelated disease phenotype. NOT Sanger confirmed